The following is an entry in ClinVar:

NM_000070.3(CAPN3):c.652G>C (p.Ala218Pro)

Gene: CAPN3 (calpain 3; plus strand). Cytogenetic location: 15q15.1.
Variant type: single nucleotide variant.
Coding change: c.652G>C on transcript NM_000070.3 (MANE Select); coding-DNA position 652, G replaced by C.
Protein change: p.Ala218Pro; replaces alanine 218 with proline.
Molecular consequence: missense variant.
Genome position (GRCh38, 1-based): chr15:42,388,947, G>C. VCF-style: chr15-42388947-G-C. GRCh37 (hg19) VCF-style: chr15-42681145-G-C.
Other names: c.652G>C, p.Ala218Pro (NM_024344.2, NM_173087.2); short protein forms A218P.
Identifiers: ClinVar variation 446983 (VCV000446983.8), dbSNP rs1555420621, ClinGen allele CA391998082.

ClinVar aggregate classification (germline): Uncertain significance. Review status: criteria provided, multiple submitters, no conflicts (2 of 4 stars). 3 submissions from 3 submitters: Uncertain significance (3). Last evaluated 2022-03-12.

Conditions:
Autosomal recessive limb-girdle muscular dystrophy type 2A (LGMDR1). Also called: LEYDEN-MOEBIUS MUSCULAR DYSTROPHY; MUSCULAR DYSTROPHY, PELVOFEMORAL; Limb-girdle muscular dystrophy, type 2A; Muscular dystrophy, limb-girdle, type 2A, Amish; Calpainopathy. Identifiers: Orphanet 267, MedGen C1869123, MONDO:0009675, OMIM 253600. Disease mechanism: loss of function.

Submissions (3):

Labcorp Genetics (formerly Invitae), Labcorp
Classification: Uncertain significance for Autosomal recessive limb-girdle muscular dystrophy type 2A. Last evaluated: 2022-03-12. Review status: criteria provided, single submitter. Criteria: Invitae Variant Classification Sherloc (09022015). Collection method: clinical testing. Allele origin: germline.
Comment: This sequence change replaces alanine, which is neutral and non-polar, with proline, which is neutral and non-polar, at codon 218 of the CAPN3 protein (p.Ala218Pro). Algorithms developed to predict the effect of missense changes on protein structure and function are either unavailable or do not agree on the potential impact of this missense change (SIFT: "Deleterious"; PolyPhen-2: "Probably Damaging"; Align-GVGD: "Class C0"). This variant is not present in population databases (gnomAD no frequency). This variant has not been reported in the literature in individuals affected with CAPN3-related conditions. ClinVar contains an entry for this variant (Variation ID: 446983). In summary, the available evidence is currently insufficient to determine the role of this variant in disease. Therefore, it has been classified as a Variant of Uncertain Significance.

Revvity Omics, Revvity
Classification: Uncertain significance. Last evaluated: 2021-12-28. Review status: criteria provided, single submitter. Criteria: ACMG Guidelines, 2015. Collection method: clinical testing. Allele origin: germline.

Athena Diagnostics
Classification: Uncertain significance. Last evaluated: 2017-02-06. Review status: criteria provided, single submitter. Criteria: Athena Diagnostics Criteria. Collection method: clinical testing. Allele origin: germline.